The following is an entry in ClinVar:

NM_002047.4(GARS1):c.647A>G (p.His216Arg)

Gene: GARS1 (glycyl-tRNA synthetase 1; plus strand). Cytogenetic location: 7p14.3.
Variant type: single nucleotide variant.
Coding change: c.647A>G on transcript NM_002047.4 (MANE Select); coding-DNA position 647, A replaced by G.
Protein change: p.His216Arg; replaces histidine 216 with arginine.
Molecular consequence: missense variant.
Genome position (GRCh38, 1-based): chr7:30,603,111, A>G. VCF-style: chr7-30603111-A-G. GRCh37 (hg19) VCF-style: chr7-30642727-A-G.
Other names: c.647A>G (NM_002047.2); c.485A>G, p.His162Arg (NM_001316772.1); short protein forms H162R, H216R.
Identifiers: ClinVar variation 694991 (VCV000694991.9), dbSNP rs768987322, ClinGen allele CA4205764.
Genomic context (GRCh38, chr7:30,603,111, plus strand): 5'-ACAAATTTGCTGACTTCATGGTGAAAGACGTAAAAAATGGAGAATGTTTTCGTGCTGACC[A>G]TCTATTAAAAGGTGAGGTTCTTCATCTCCTTCAGGTAGGATTGATCAAAATAAAAGGTTT-3'
Protein context (NP_002038.2, residues 206-226): VKNGECFRAD[His216Arg]LLKAHLQKLM

ClinVar aggregate classification (germline): Conflicting classifications of pathogenicity. Review status: criteria provided, conflicting classifications (1 of 4 stars). 7 submissions from 7 submitters: Pathogenic (1); Likely pathogenic (1); Uncertain significance (2). 3 of the submissions do not count toward it. Last evaluated 2024-05-25.

Conditions:
Spinal muscular atrophy, infantile, James type. Also called: GARS1 Infantile-Onset Spinal Muscular Atrophy (GARS1-iSMA). Identifiers: MedGen C5436669, MONDO:0033621, OMIM 619042.
Charcot-Marie-Tooth disease type 2D (CMT2D). Also called: Charcot-Marie-Tooth Neuropathy Type 2D; CHARCOT-MARIE-TOOTH DISEASE, AXONAL, TYPE 2D; GARS1 Adolescent- or Early Adult-Onset Hereditary Motor/Sensory Neuropathy (GARS1-HMSN); CHARCOT-MARIE-TOOTH DISEASE, NEURONAL, TYPE 2D. Identifiers: Orphanet 99938, MedGen C1832274, MONDO:0011091, OMIM 601472.
Neuronopathy, distal hereditary motor, type 5A (HMND5). Also called: Distal Spinal Muscular Atrophy V; DHMN VA; Distal Spinal Muscular Atrophy V (dSMA-V); NEURONOPATHY, DISTAL HEREDITARY MOTOR, AUTOSOMAL DOMINANT 5. Identifiers: Orphanet 139536, MedGen CN031873, MONDO:0015353, OMIM 600794.
Charcot-Marie-Tooth disease type 2. Also called: Charcot-Marie-Tooth type 2. Identifiers: Orphanet 64746, MedGen C0270914, MONDO:0018993.
Distal spinal muscular atrophy. Also called: Distal hereditary motor neuronopathy; Distal hereditary motor neuropathy. Identifiers: Orphanet 53739, MedGen C0393541, MONDO:0018894.

Allele frequency attached by ClinVar (database versions not stated): gnomAD exomes below 0.00001; TOPMed below 0.00001; ExAC 0.00001.
gnomAD v4.1: 5 of 1,613,386 alleles (0.00031%); highest among the groups gnomAD compares: South Asian, 0.0011%; no homozygotes.

Submissions (7):

Labcorp Genetics (formerly Invitae), Labcorp
Classification: Uncertain significance for Charcot-Marie-Tooth disease type 2. Last evaluated: 2024-05-25. Review status: criteria provided, single submitter. Criteria: Invitae Variant Classification Sherloc (09022015). Collection method: clinical testing. Allele origin: germline.
Comment: This sequence change replaces histidine, which is basic and polar, with arginine, which is basic and polar, at codon 216 of the GARS protein (p.His216Arg). This variant is present in population databases (rs768987322, gnomAD 0.0009%). This missense change has been observed in individual(s) with GARS-related conditions (PMID: 26392352, 28251916). ClinVar contains an entry for this variant (Variation ID: 694991). Advanced modeling of protein sequence and biophysical properties (such as structural, functional, and spatial information, amino acid conservation, physicochemical variation, residue mobility, and thermodynamic stability) has been performed at Invitae for this missense variant, however the output from this modeling did not meet the statistical confidence thresholds required to predict the impact of this variant on GARS protein function. In summary, the available evidence is currently insufficient to determine the role of this variant in disease. Therefore, it has been classified as a Variant of Uncertain Significance.

Athena Diagnostics
Classification: Uncertain significance. Last evaluated: 2023-03-31. Review status: criteria provided, single submitter. Criteria: Athena Diagnostics Criteria. Collection method: clinical testing. Allele origin: unknown.
Comment: Available data are insufficient to determine the clinical significance of the variant at this time. The frequency of this variant in the general population is uninformative in assessment of its pathogenicity. This variant has been identified in at least one individual with clinical features associated with this gene. Computational tools predict that this variant is damaging.

Mendelics
Classification: Pathogenic for Neuronopathy, distal hereditary motor, type 5A. Last evaluated: 2022-05-04. Review status: criteria provided, single submitter. Criteria: Mendelics Assertion Criteria 2019. Collection method: clinical testing. Allele origin: germline.

Institute of Human Genetics, University of Leipzig Medical Center
Classification: Likely pathogenic for Charcot-Marie-Tooth disease type 2D. Last evaluated: 2019-05-15. Review status: criteria provided, single submitter. Criteria: ACMG Guidelines, 2015. Collection method: clinical testing. Allele origin: germline. Affected: yes. Observed: 1 variant allele.

OMIM
Classification: Pathogenic for NEURONOPATHY, DISTAL HEREDITARY MOTOR, AUTOSOMAL DOMINANT 5. Last evaluated: 2023-10-16. Review status: no assertion criteria provided. Collection method: literature only. Allele origin: germline. Not counted in ClinVar's aggregate classification.

Solve-RD Consortium
Classification: Likely pathogenic for Spinal muscular atrophy, infantile, James type. Last evaluated: 2022-06-01. Review status: no assertion criteria provided. Collection method: provider interpretation. Allele origin: inherited. Affected: yes. Not counted in ClinVar's aggregate classification.
Comment: Variant confirmed as disease-causing by referring clinical team

Variant identified during reanalysis of unsolved cases by the Solve-RD project. The Solve-RD project has received funding from the European Union’s Horizon 2020 research and innovation programme under grant agreement No 779257.

Genesis Genome Database
Classification: Uncertain significance for Distal spinal muscular atrophy. Last evaluated: 2019-08-14. Review status: no assertion criteria provided. Collection method: research. Allele origin: germline. Affected: yes. Not counted in ClinVar's aggregate classification.

Literature cited by the submitters: PubMed 26392352 (cited by Labcorp Genetics (formerly Invitae), Labcorp); PubMed 28251916 (cited by Labcorp Genetics (formerly Invitae), Labcorp and Athena Diagnostics); PubMed 32909314 (cited by Athena Diagnostics); PubMed 29648643 (cited by Athena Diagnostics and OMIM); PubMed 39825153 (cited by Solve-RD Consortium).